The following is an entry in ClinVar:

ClinVar aggregate classification (germline): Benign/Likely benign. Review status: criteria provided, multiple submitters, no conflicts (2 of 4 stars). 2 submissions from 2 submitters: Benign (1); Likely benign (1). Last evaluated 2026-04-01.

Allele frequency attached by ClinVar (database versions not stated): gnomAD exomes 0.00108; ExAC 0.00132; 1000 Genomes Project 0.00419; TOPMed 0.00436; gnomAD 0.00443; ESP Exome Variant Server 0.00461; 1000 Genomes Project 30x 0.00484.
gnomAD v4.1: 1,269 of 1,612,634 alleles (0.079%); highest among the groups gnomAD compares: African/African-American, 1.4%; 11 homozygotes.

Submissions (2):

CeGaT Center for Human Genetics Tuebingen
Classification: Likely benign. Last evaluated: 2026-04-01. Review status: criteria provided, single submitter. Criteria: CeGaT Center For Human Genetics Tuebingen Variant Classification Criteria Version 2. Collection method: clinical testing. Allele origin: germline. Affected: yes. Observed: 1 variant allele.
Comment: SLC26A8: BS1

Labcorp Genetics (formerly Invitae), Labcorp
Classification: Benign. Last evaluated: 2018-10-25. Review status: criteria provided, single submitter. Criteria: Invitae Variant Classification Sherloc (09022015). Collection method: clinical testing. Allele origin: germline.

NM_052961.4(SLC26A8):c.2425G>A (p.Asp809Asn)

Gene: SLC26A8 (solute carrier family 26 member 8; minus strand). Cytogenetic location: 6p21.31.
Variant type: single nucleotide variant.
Coding change: c.2425G>A on transcript NM_052961.4 (MANE Select); coding-DNA position 2425, G replaced by A.
Protein change: p.Asp809Asn; replaces aspartic acid 809 with asparagine.
Molecular consequence: missense variant.
Genome position (GRCh38, 1-based): chr6:35,951,210, C>T on the plus strand (G>A on the coding strand, the complement: SLC26A8 is on the minus strand). VCF-style: chr6-35951210-C-T. GRCh37 (hg19) VCF-style: chr6-35918987-C-T.
Other names: c.2425G>A, p.Asp809Asn (NM_001193476.2); c.2110G>A, p.Asp704Asn (NM_138718.3); short protein forms D809N, D704N.
Identifiers: ClinVar variation 791537 (VCV000791537.5), dbSNP rs114153657, ClinGen allele CA3775250.